The following is an entry in ClinVar:

NM_000059.4(BRCA2):c.7435+5T>G

Gene: BRCA2 (BRCA2 DNA repair associated; plus strand). Cytogenetic location: 13q13.1.
Variant type: single nucleotide variant.
Coding change: c.7435+5T>G on transcript NM_000059.4 (MANE Select); 5 bases into the intron after coding-DNA position 7435, T replaced by G.
Molecular consequence: intron variant.
Genome position (GRCh38, 1-based): chr13:32,355,293, T>G. VCF-style: chr13-32355293-T-G. GRCh37 (hg19) VCF-style: chr13-32929430-T-G.
Identifiers: ClinVar variation 827046 (VCV000827046.9), dbSNP rs775973095, ClinGen allele CA6941092.

ClinVar aggregate classification (germline): Conflicting classifications of pathogenicity. Review status: criteria provided, conflicting classifications (1 of 4 stars). 3 submissions from 3 submitters: Uncertain significance (1); Likely benign (1). 1 of the submissions does not count toward it. Last evaluated 2026-02-09.

Conditions:
Hereditary breast ovarian cancer syndrome. Also called: Hereditary breast and/or ovarian cancer syndrome; Hereditary breast and ovarian cancer syndrome; Breast and ovarian cancer; BRCA1- and BRCA2-Associated Hereditary Breast and Ovarian Cancer; Hereditary breast and ovarian cancer; Hereditary breast and ovarian cancer syndrome (HBOC). Identifiers: Orphanet 145, MedGen C0677776, MeSH D061325, MONDO:0003582. Disease mechanism: loss of function.
Hereditary cancer-predisposing syndrome. Also called: Hereditary Cancer Syndrome; Tumor predisposition; Neoplastic Syndromes, Hereditary; Hereditary neoplastic syndrome. Identifiers: Orphanet 140162, MedGen C0027672, MeSH D009386, MONDO:0015356.
Breast-ovarian cancer, familial, susceptibility to, 2 (BROVCA2). Also called: BRCA2 Hereditary Breast and Ovarian Cancer. Identifiers: Orphanet 145, MedGen C2675520, MONDO:0012933, OMIM 612555. Disease mechanism: loss of function.

Allele frequency attached by ClinVar (database versions not stated): gnomAD exomes 0.00002; ExAC 0.00003.
gnomAD v4.1: 4 of 1,613,574 alleles (0.00025%); highest among the groups gnomAD compares: Non-Finnish European, 0.00025%; no homozygotes.

Submissions (3):

Ambry Genetics
Classification: Uncertain significance for Hereditary cancer-predisposing syndrome. Last evaluated: 2026-02-09. Review status: criteria provided, single submitter. Criteria: Ambry Variant Classification Scheme 2023. Collection method: clinical testing. Allele origin: germline.
Comment: The c.7435+5T>G intronic variant results from a T to G substitution 5 nucleotides after coding exon 13 in the BRCA2 gene. This nucleotide position is well conserved in available vertebrate species. In silico splice site analysis predicts that this alteration may result in the creation or strengthening of a novel splice donor site. Based on the available evidence, the clinical significance of this variant remains unclear.

Labcorp Genetics (formerly Invitae), Labcorp
Classification: Likely benign for Hereditary breast ovarian cancer syndrome. Last evaluated: 2024-04-29. Review status: criteria provided, single submitter. Criteria: Invitae Variant Classification Sherloc (09022015). Collection method: clinical testing. Allele origin: germline.

BRCAlab, Lund University
Classification: Uncertain significance for Breast-ovarian cancer, familial, susceptibility to, 2. Last evaluated: 2020-03-02. Review status: no assertion criteria provided. Collection method: clinical testing. Allele origin: germline. Affected: yes. Not counted in ClinVar's aggregate classification.